The following continues an entry in ClinVar:

NM_000091.5(COL4A3):c.765G>A (p.Thr255=)

ClinVar aggregate classification (germline): Conflicting classifications of pathogenicity. Pathogenic (8); Likely pathogenic (5); Uncertain significance (2).

Submissions 8 to 18 of 18:

Myriad Genetics, Inc.
Classification: Likely pathogenic for Alport syndrome. Last evaluated: 2025-02-05. Review status: criteria provided, single submitter. Criteria: Myriad Autosomal Dominant, Autosomal Recessive and X-Linked Classification Criteria (2023). Collection method: clinical testing. Allele origin: unknown.
Comment: NM_000091.4(COL4A3):c.765G>A(aka T255=) is a silent variant classified as likely pathogenic in the context of Alport syndrome, COL4A3-related. T255= has been observed in cases with relevant disease (PMID: 35386907, 39424670, 38188341, 34746741). Relevant functional assessments of this variant are available in the literature (PMID: 35386907, 35121647, 39424670, 34746741). Internal structural analysis of the variant is supportive of pathogenicity. c.765G>A has been observed in referenced population frequency databases. In summary, NM_000091.4(COL4A3):c.765G>A(aka T255=) is a silent variant that has internal structural support for pathogenicity and has been observed more frequently in cases with the relevant disease than in healthy populations. Please note: this variant was assessed in the context of healthy population screening.

Natera, Inc.
Classification: Pathogenic for Alport syndrome. Last evaluated: 2025-02-04. Review status: criteria provided, single submitter. Criteria: Natera Variant Classification Schema (03/2026). Collection method: clinical testing. Allele origin: germline.
Comment: The c.765G>A variant in COL4A3 is a synonymous variant that does not alter the encoded amino acid at position 255 (p.T255=). This variant is rare in the general population with a frequency below the threshold expected for the associated phenotype(s). This variant has been observed in one or more individuals affected with the associated recessive disease, as either homozygous or compound heterozygous with a second variant (PMID: 38188341, 35386907). This variant has been observed in affected individual(s) with monoallelic occurrence (heterozygous/hemizygous) (PMID: 39424670, 38188341, 34120753, 34746741). This variant has been observed to segregate in affected family members (PMID: 38188341, 39424670). Functional studies show that this variant may disrupt protein function (PMID: 34746741). Computational prediction algorithms indicate this variant is likely to affect gene or protein function. Given the available evidence, this variant is classified as Pathogenic.

Department of Clinical Genetics, Copenhagen University Hospital, Rigshospitalet
Classification: Likely pathogenic for Autosomal dominant Alport syndrome. Last evaluated: 2024-12-13. Review status: criteria provided, single submitter. Criteria: ACMG Guidelines, 2015. Collection method: clinical testing. Allele origin: germline.
Comment: PS4_M, PM4_M, PM2_Sup, PP3_Sup

CeGaT Center for Human Genetics Tuebingen
Classification: Pathogenic. Last evaluated: 2024-10-01. Review status: criteria provided, single submitter. Criteria: CeGaT Center For Human Genetics Tuebingen Variant Classification Criteria Version 2. Collection method: clinical testing. Allele origin: germline. Affected: yes. Observed: 1 variant allele.
Comment: COL4A3: PM3:Strong, PP1:Strong, PM2, PP3, PS1:Supporting, PS3:Supporting

Fulgent Genetics
Classification: Likely pathogenic for Autosomal dominant Alport syndrome; Hematuria, benign familial, 2; Alport syndrome 3b, autosomal recessive. Last evaluated: 2024-02-23. Review status: criteria provided, single submitter. Criteria: ACMG Guidelines, 2015. Collection method: clinical testing. Allele origin: germline.

GeneDx
Classification: Likely pathogenic. Last evaluated: 2024-01-29. Review status: criteria provided, single submitter. Criteria: GeneDx Variant Classification Process June 2021. Collection method: clinical testing. Allele origin: germline. Affected: yes.
Comment: Reported in multiple patients with COL4A3-related renal disease in published literature (PMID: 34120753, 34746741); Non-canonical splice site variant within a critical functional domain, the triple helical region; alters the last nucleotide of the exon and is predicted to damage the splice donor site but the effect on protein function is unclear; Published in vitro functional studies suggest a deleterious effect on splicing, concordant with RNA testing performed at GeneDx (PMID: 35386907); Internal targeted RNA studies in blood from a different patient referred for testing at GeneDx demonstrate this variant causes abnormal RNA splicing by damaging the natural splice donor site in intron 13 and causing the skipping of exon 13, which is predicted to result in the in-frame deletion of 26 amino acids encoding a portion of a critical functional domain (triple helical domain); Not observed at significant frequency in large population cohorts (gnomAD); This variant is associated with the following publications: (PMID: 35386907, 34746741, 35121647, 38188341, 34120753)

Centre for Mendelian Genomics, University Medical Centre Ljubljana
Classification: Uncertain significance for Autosomal dominant Alport syndrome. Last evaluated: 2018-11-07. Review status: criteria provided, single submitter. Criteria: ACMG Guidelines, 2015. Collection method: clinical testing. Allele origin: unknown. Affected: yes.
Comment: This variant was classified as: Uncertain significance. The available evidence favors the pathogenic nature of this variant, however the currently available data is insufficient to conclusively support its pathogenic nature. Thus this variant is classified as Uncertain significance - favor pathogenic. The following ACMG criteria were applied in classifying this variant: PM2,PP3,PP4.

Fulgent Genetics
Classification: Uncertain significance for Autosomal dominant Alport syndrome; Hematuria, benign familial, 1; Autosomal recessive Alport syndrome. Last evaluated: 2018-10-31. Review status: criteria provided, single submitter. Criteria: ACMG Guidelines, 2015. Collection method: clinical testing. Allele origin: unknown.

Counsyl
Classification: Uncertain significance for Autosomal recessive Alport syndrome. Last evaluated: 2018-03-20. Review status: no assertion criteria provided. Collection method: clinical testing. Allele origin: unknown. Not counted in ClinVar's aggregate classification.

Bioscientia Institut fuer Medizinische Diagnostik GmbH, Sonic Healthcare
Classification: Pathogenic for Autosomal dominant Alport syndrome. Last evaluated: 2018-02-19. Review status: no assertion criteria provided. Collection method: clinical testing. Allele origin: germline. Affected: yes. Not counted in ClinVar's aggregate classification.

Bioscientia Institut fuer Medizinische Diagnostik GmbH, Sonic Healthcare
Classification: Uncertain significance for Autosomal recessive Alport syndrome. Review status: no assertion criteria provided. Collection method: clinical testing. Allele origin: germline. Affected: yes. Not counted in ClinVar's aggregate classification.

Literature cited by the submitters: PubMed 34746741 (cited by 5 submitters); PubMed 35386907 (cited by 6 submitters); PubMed 38188341 (cited by 5 submitters); PubMed 39424670 (cited by 4 submitters); PubMed 40866801 (cited by Centre de Génétique Humaine, Institut de Pathologie Et de Génétique); PubMed 41278337 (cited by Centre de Génétique Humaine, Institut de Pathologie Et de Génétique); PubMed 17576681 (cited by Labcorp Genetics (formerly Invitae), Labcorp); PubMed 9536098 (cited by Labcorp Genetics (formerly Invitae), Labcorp); PubMed 24046192 (cited by Victorian Clinical Genetics Services, Murdoch Childrens Research Institute); PubMed 33854215 (cited by Victorian Clinical Genetics Services, Murdoch Childrens Research Institute); PubMed 12028435 (cited by Victorian Clinical Genetics Services, Murdoch Childrens Research Institute); PubMed 38214412 (cited by Victorian Clinical Genetics Services, Murdoch Childrens Research Institute); PubMed 35121647 (cited by Victorian Clinical Genetics Services, Murdoch Childrens Research Institute and Myriad Genetics, Inc.); PubMed 39587357 (cited by Molecular Genetics McLendon Clinical Laboratories, University of North Carolina at Chapel Hill); PubMed 34120753 (cited by 3billion and Natera, Inc.).